The following is an entry in ClinVar:

ClinVar aggregate classification (germline): Conflicting classifications of pathogenicity. Review status: criteria provided, conflicting classifications (1 of 4 stars). 4 submissions from 4 submitters: Likely pathogenic (1); Uncertain significance (3). Last evaluated 2023-10-06.

Conditions:
RYR1-related disorder. Also called: RYR1-related disorders; RYR1-related condition. Identifiers: MedGen CN239331.
Malignant hyperthermia, susceptibility to, 1 (MHS1). Also called: Anesthesia related hyperthermia; Malignant hyperpyrexia; Fulminating hyperpyrexia; Pharmacogenic myopathy; RYR1-Related Malignant Hyperthermia Susceptibility; Malignant hyperthermia suceptibility 1. Identifiers: Orphanet 423, MedGen C2930980, MONDO:0007783, OMIM 145600.

Allele frequency attached by ClinVar (database versions not stated): gnomAD exomes below 0.00001 and 0.00001; ExAC 0.00002; gnomAD 0.00004; TOPMed 0.00004; ESP Exome Variant Server 0.00008.
gnomAD v4.1: 13 of 1,613,982 alleles (0.00081%); highest among the groups gnomAD compares: African/African-American, 0.015%; no homozygotes.

Submissions (4):

All of Us Research Program, National Institutes of Health
Classification: Uncertain significance for Malignant hyperthermia, susceptibility to, 1. Last evaluated: 2023-10-06. Review status: criteria provided, single submitter. Criteria: ACMG Guidelines, 2015. Collection method: clinical testing. Allele origin: germline. Inheritance: Autosomal dominant inheritance. Observed: 2 variant alleles, 2 heterozygotes.
Comment: This missense variant replaces proline with leucine at codon 1454 of the RYR1 protein. Computational prediction suggests that this variant may have deleterious impact on protein structure and function (internally defined REVEL score threshold >= 0.7, PMID: 27666373). To our knowledge, functional studies have not been reported for this variant. This variant has not been reported in individuals affected with autosomal dominant malignant hyperthermia in the literature, although it is associated with other phenotype(s) (ClinVar variation ID: 590532). This variant has been identified in 3/282738 chromosomes in the general population by the Genome Aggregation Database (gnomAD). Due to insufficient evidence, this variant is classified as a Variant of Uncertain Significance for autosomal dominant malignant hyperthermia.

This study involves interpretation of variants in research participants for the purpose of population health screening. Participant phenotype was not available at the time of variant classification. Additional details can be found in publication PMID: 35346344, PMCID: PMC8962531

Labcorp Genetics (formerly Invitae), Labcorp
Classification: Likely pathogenic for RYR1-related disorder. Last evaluated: 2023-08-18. Review status: criteria provided, single submitter. Criteria: Invitae Variant Classification Sherloc (09022015). Collection method: clinical testing. Allele origin: germline.
Comment: In summary, the currently available evidence indicates that the variant is pathogenic, but additional data are needed to prove that conclusively. Therefore, this variant has been classified as Likely Pathogenic. Advanced modeling of protein sequence and biophysical properties (such as structural, functional, and spatial information, amino acid conservation, physicochemical variation, residue mobility, and thermodynamic stability) has been performed at Invitae for this missense variant, however the output from this modeling did not meet the statistical confidence thresholds required to predict the impact of this variant on RYR1 protein function. ClinVar contains an entry for this variant (Variation ID: 590532). This missense change has been observed in individual(s) with clinical features of autosomal recessive RYR1-related conditions (Invitae). In at least one individual the data is consistent with being in trans (on the opposite chromosome) from a pathogenic variant. It has also been observed to segregate with disease in related individuals. The frequency data for this variant in the population databases is considered unreliable, as metrics indicate poor data quality at this position in the gnomAD database. This sequence change replaces proline, which is neutral and non-polar, with leucine, which is neutral and non-polar, at codon 1454 of the RYR1 protein (p.Pro1454Leu).

Athena Diagnostics
Classification: Uncertain significance. Last evaluated: 2022-01-17. Review status: criteria provided, single submitter. Criteria: Athena Diagnostics Criteria. Collection method: clinical testing. Allele origin: unknown.

PreventionGenetics, part of Exact Sciences
Classification: Uncertain significance. Last evaluated: 2013-10-22. Review status: criteria provided, single submitter. Criteria: ACMG Guidelines, 2015. Collection method: clinical testing. Allele origin: germline.

NM_000540.3(RYR1):c.4361C>T (p.Pro1454Leu)

Gene: RYR1 (ryanodine receptor 1; plus strand). Cytogenetic location: 19q13.2.
Variant type: single nucleotide variant.
Coding change: c.4361C>T on transcript NM_000540.3 (MANE Select); coding-DNA position 4361, C replaced by T.
Protein change: p.Pro1454Leu; replaces proline 1454 with leucine.
Molecular consequence: missense variant.
Genome position (GRCh38, 1-based): chr19:38,477,777, C>T. VCF-style: chr19-38477777-C-T. GRCh37 (hg19) VCF-style: chr19-38968417-C-T.
Other names: c.4361C>T, p.Pro1454Leu (NM_001042723.2); short protein forms P1454L.
Identifiers: ClinVar variation 590532 (VCV000590532.9), dbSNP rs149737658, ClinGen allele CA065977.
Genomic context (GRCh38, chr19:38,477,777, plus strand): 5'-ACTCCGTGAGGGTCTTTGCTGGACAGGAGCCCAGCTGCGTGTGGGCGGGCTGGGTCACCC[C>T]TGACTACCATCAGCACGACATGAGCTTCGACCTCAGCAAGGTCCGGGTCGTGACGGTGAC-3'
Protein context (NP_000531.2, residues 1444-1464): PSCVWAGWVT[Pro1454Leu]DYHQHDMSFD